The following is an entry in ClinVar:

ClinVar aggregate classification (germline): Uncertain significance. Review status: criteria provided, multiple submitters, no conflicts (2 of 4 stars). 8 submissions from 8 submitters: Uncertain significance (8). Last evaluated 2025-01-15.

Conditions:
Inborn genetic diseases. Identifiers: MedGen C0950123, MeSH D030342.
Pyridoxine-dependent epilepsy (EPEO4). Also called: Pyridoxine-Dependent Epilepsy - ALDH7A1; PYRIDOXINE DEPENDENCY WITH SEIZURES; Pyridoxine-Dependent Seizures; EPILEPSY, EARLY-ONSET, 4, VITAMIN B6-DEPENDENT. Identifiers: Orphanet 3006, MedGen C1849508, MONDO:0009945, OMIM 266100. Disease mechanism: loss of function.

Allele frequency attached by ClinVar (database versions not stated): gnomAD 0.00001; ExAC 0.00002; gnomAD exomes 0.00003; TOPMed 0.00004.
gnomAD v4.1: 84 of 1,613,466 alleles (0.0052%); highest among the groups gnomAD compares: Middle Eastern, 0.049%; no homozygotes.

Submissions (8):

Labcorp Genetics (formerly Invitae), Labcorp
Classification: Uncertain significance for Pyridoxine-dependent epilepsy. Last evaluated: 2025-01-15. Review status: criteria provided, single submitter. Criteria: Invitae Variant Classification Sherloc (09022015). Collection method: clinical testing. Allele origin: germline.
Comment: This sequence change replaces arginine, which is basic and polar, with threonine, which is neutral and polar, at codon 349 of the ALDH7A1 protein (p.Arg349Thr). This variant is present in population databases (rs553114356, gnomAD 0.02%). This variant has not been reported in the literature in individuals affected with ALDH7A1-related conditions. ClinVar contains an entry for this variant (Variation ID: 204841). Invitae Evidence Modeling of protein sequence and biophysical properties (such as structural, functional, and spatial information, amino acid conservation, physicochemical variation, residue mobility, and thermodynamic stability) has been performed for this missense variant. However, the output from this modeling did not meet the statistical confidence thresholds required to predict the impact of this variant on ALDH7A1 protein function. In summary, the available evidence is currently insufficient to determine the role of this variant in disease. Therefore, it has been classified as a Variant of Uncertain Significance.

Blueprint Genetics
Classification: Uncertain significance. Last evaluated: 2024-03-15. Review status: criteria provided, single submitter. Criteria: ACMG Guidelines, 2015. Collection method: clinical testing. Allele origin: germline.

Revvity Omics, Revvity
Classification: Uncertain significance for Pyridoxine-dependent epilepsy. Last evaluated: 2023-09-27. Review status: criteria provided, single submitter. Criteria: ACMG Guidelines, 2015. Collection method: clinical testing. Allele origin: germline.

Genome-Nilou Lab
Classification: Uncertain significance for Pyridoxine-dependent epilepsy. Last evaluated: 2023-04-11. Review status: criteria provided, single submitter. Criteria: ACMG Guidelines, 2015. Collection method: clinical testing. Allele origin: germline. Affected: no.

Ambry Genetics
Classification: Uncertain significance for Inborn genetic diseases. Last evaluated: 2019-09-23. Review status: criteria provided, single submitter. Criteria: Ambry Variant Classification Scheme 2023. Collection method: clinical testing. Allele origin: germline.
Comment: The p.R349T variant (also known as c.1046G>C), located in coding exon 12 of the ALDH7A1 gene, results from a G to C substitution at nucleotide position 1046. The arginine at codon 349 is replaced by threonine, an amino acid with similar properties. This amino acid position is well conserved in available vertebrate species. In addition, the in silico prediction for this alteration is inconclusive. Since supporting evidence is limited at this time, the clinical significance of this alteration remains unclear.

Fulgent Genetics
Classification: Uncertain significance for Pyridoxine-dependent epilepsy. Last evaluated: 2018-10-31. Review status: criteria provided, single submitter. Criteria: ACMG Guidelines, 2015. Collection method: clinical testing. Allele origin: unknown.

GeneDx
Classification: Uncertain significance. Last evaluated: 2014-12-08. Review status: criteria provided, single submitter. Criteria: GeneDx Variant Classification (06012015). Collection method: clinical testing. Allele origin: germline. Affected: yes.
Comment: p.Arg349Thr (AGA>ACA): c.1046 G>C in exon 12 of the ALDH7A1 gene (NM_001182.4). The R349T variant has not been published as a mutation, nor has it been reported as a benign polymorphism to our knowledge. It was not observed in approximately 6,500 individuals of European and African American ancestry in the NHLBI Exome Sequencing Project, indicating it is not a common benign variant in these populations. This substitution occurs at a position that is not conserved across species. However, the R349T variant is a semi-conservative amino acid substitution, which may impact secondary protein structure as these residues differ in some properties. In addition, a missense mutation in a nearby residue (Y354C) has been reported in association with pyridoxine-dependent epilepsy. In silico analysis is inconsistent in its predictions as to whether or not the variant is damaging to the protein structure/function. Therefore, based on the currently available information, it is unclear whether this variant is a pathogenic mutation or a rare benign variant. The variant is found in EPILEPSY panel(s).

Breakthrough Genomics
Classification: Uncertain significance. Review status: criteria provided, single submitter. Criteria: ACMG Guidelines, 2015. Collection method: not provided. Allele origin: germline. Inheritance: Autosomal recessive inheritance. Affected: yes.

NM_001182.5(ALDH7A1):c.1046G>C (p.Arg349Thr)

Gene: ALDH7A1 (aldehyde dehydrogenase 7 family member A1; minus strand). Cytogenetic location: 5q23.2.
Variant type: single nucleotide variant.
Coding change: c.1046G>C on transcript NM_001182.5 (MANE Select); coding-DNA position 1046, G replaced by C.
Protein change: p.Arg349Thr; replaces arginine 349 with threonine.
Molecular consequence: missense variant. On other transcripts: intron variant (1).
Genome position (GRCh38, 1-based): chr5:126,555,978, C>G on the plus strand (G>C on the coding strand, the complement: ALDH7A1 is on the minus strand). VCF-style: chr5-126555978-C-G. GRCh37 (hg19) VCF-style: chr5-125891670-C-G.
Other names: p.R349T:AGA>ACA; c.962G>C, p.Arg321Thr (NM_001201377.2); c.1008+3262G>C (NM_001202404.2); short protein forms R349T, R321T.
Identifiers: ClinVar variation 204841 (VCV000204841.16), dbSNP rs553114356, ClinGen allele CA313189.